The following is an entry in ClinVar:

NM_006270.5(RRAS):c.67G>A (p.Asp23Asn)

Gene: RRAS (RAS related; minus strand). Cytogenetic location: 19q13.33.
Variant type: single nucleotide variant.
Coding change: c.67G>A on transcript NM_006270.5 (MANE Select); coding-DNA position 67, G replaced by A.
Protein change: p.Asp23Asn; replaces aspartic acid 23 with asparagine.
Molecular consequence: missense variant.
Genome position (GRCh38, 1-based): chr19:49,640,032, C>T on the plus strand (G>A on the coding strand, the complement: RRAS is on the minus strand). VCF-style: chr19-49640032-C-T. GRCh37 (hg19) VCF-style: chr19-50143289-C-T.
Other names: c.67G>A (NM_006270.3); short protein forms D23N.
Identifiers: ClinVar variation 1010799 (VCV001010799.9), dbSNP rs2081015208, ClinGen allele CA406849872.

ClinVar aggregate classification (germline): Uncertain significance. Review status: criteria provided, multiple submitters, no conflicts (2 of 4 stars). 2 submissions from 2 submitters: Uncertain significance (2). Last evaluated 2026-02-19.

Conditions:
Noonan syndrome (NS). Also called: Noonan's syndrome. Identifiers: Orphanet 648, MedGen C0028326, MeSH D009634, MONDO:0018997. Disease mechanism: gain of function.

Allele frequency attached by ClinVar (database versions not stated): TOPMed below 0.00001.

Submissions (2):

Ambry Genetics
Classification: Uncertain significance. Last evaluated: 2026-02-19. Review status: criteria provided, single submitter. Criteria: Ambry Variant Classification Scheme 2023. Collection method: clinical testing. Allele origin: germline.
Comment: The p.D23N variant (also known as c.67G>A), located in coding exon 1 of the RRAS gene, results from a G to A substitution at nucleotide position 67. The aspartic acid at codon 23 is replaced by asparagine, an amino acid with highly similar properties. This amino acid position is conserved. In addition, this alteration is predicted to be tolerated by in silico analysis. Based on the available evidence, the clinical significance of this variant remains unclear.

Labcorp Genetics (formerly Invitae), Labcorp
Classification: Uncertain significance for Noonan syndrome. Last evaluated: 2020-02-05. Review status: criteria provided, single submitter. Criteria: Invitae Variant Classification Sherloc (09022015). Collection method: clinical testing. Allele origin: germline.
Comment: In summary, the available evidence is currently insufficient to determine the role of this variant in disease. Therefore, it has been classified as a Variant of Uncertain Significance. Algorithms developed to predict the effect of missense changes on protein structure and function are either unavailable or do not agree on the potential impact of this missense change (SIFT: "Tolerated"; PolyPhen-2: "Possibly Damaging"; Align-GVGD: "Class C0"). This variant has not been reported in the literature in individuals with RRAS-related conditions. The frequency data for this variant in the population databases is considered unreliable, as metrics indicate insufficient coverage at this position in the ExAC database. This sequence change replaces aspartic acid with asparagine at codon 23 of the RRAS protein (p.Asp23Asn). The aspartic acid residue is weakly conserved and there is a small physicochemical difference between aspartic acid and asparagine.